The following is an entry in ClinVar:

ClinVar aggregate classification (germline): Uncertain significance (1 of 4 stars; one submission).

gnomAD v4.1: 23 of 1,613,824 alleles (0.0014%); highest among the groups gnomAD compares: Non-Finnish European, 0.0019%; no homozygotes.

Submission:

CeGaT Center for Human Genetics Tuebingen
Classification: Uncertain significance. Last evaluated: 2024-07-01. Review status: criteria provided, single submitter. Criteria: CeGaT Center For Human Genetics Tuebingen Variant Classification Criteria Version 2. Collection method: clinical testing. Allele origin: germline. Affected: yes. Observed: 1 variant allele.
Comment: FAN1: PM2, BP4

NM_014967.5(FAN1):c.1552G>C (p.Gly518Arg)

Gene: FAN1 (FANCD2 and FANCI associated nuclease 1; plus strand). Cytogenetic location: 15q13.3.
Variant type: single nucleotide variant.
Coding change: c.1552G>C on transcript NM_014967.5 (MANE Select); coding-DNA position 1552, G replaced by C.
Protein change: p.Gly518Arg; replaces glycine 518 with arginine.
Molecular consequence: missense variant.
Genome position (GRCh38, 1-based): chr15:30,910,790, G>C. VCF-style: chr15-30910790-G-C. GRCh37 (hg19) VCF-style: chr15-31202993-G-C.
Other names: c.1552G>C, p.Gly518Arg (NM_001146094.2, NM_001146095.1, NM_001146096.2); short protein forms G518R.
Identifiers: ClinVar variation 3341922 (VCV003341922.16).
Genomic context (GRCh38, chr15:30,910,790, plus strand): 5'-GACGCCTTTCTCAAATTGGCCAAACAGCGTTCAGTCTGCACTTGGGGCAAGAATAAGCCT[G>C]GAATTGGTGCAGTGATTTTAAAAAGGTTTTGTTGGCTATTGTTACAGTAAAAACATTTAA-3'
Protein context (NP_055782.3, residues 508-528): SVCTWGKNKP[Gly518Arg]IGAVILKRAK